The following is an entry in ClinVar:

ClinVar aggregate classification (germline): Uncertain significance. Review status: criteria provided, multiple submitters, no conflicts (2 of 4 stars). 4 submissions from 4 submitters: Uncertain significance (4). Last evaluated 2025-06-24.

Conditions:
Cardiovascular phenotype. Identifiers: MedGen CN230736.
TTN-related disorder. Also called: TTN-related disorders; TTN-related condition; TTN-related disease.

Allele frequency attached by ClinVar (database versions not stated): gnomAD 0.00001; TOPMed 0.00001; gnomAD exomes 0.00002.
gnomAD v4.1: 39 of 1,613,218 alleles (0.0024%); highest among the groups gnomAD compares: Non-Finnish European, 0.0027%; no homozygotes.

Submissions (4):

PreventionGenetics, part of Exact Sciences
Classification: Uncertain significance for TTN-related condition. Last evaluated: 2025-06-24. Review status: criteria provided, single submitter. Criteria: ACMG Guidelines, 2015. Collection method: clinical testing. Allele origin: germline.
Comment: The TTN c.2042C>T variant is predicted to result in the amino acid substitution p.Thr681Ile. To our knowledge, this variant has not been reported in the literature. This variant is reported in 0.0039% of alleles in individuals of European (Non-Finnish) descent in gnomAD. At this time, the clinical significance of this variant is uncertain due to the absence of conclusive functional and genetic evidence.

GeneDx
Classification: Uncertain significance. Last evaluated: 2024-05-30. Review status: criteria provided, single submitter. Criteria: GeneDx Variant Classification Process June 2021. Collection method: clinical testing. Allele origin: germline. Affected: yes.
Comment: Missense variant in a gene in which most reported pathogenic variants are truncating/loss of function; Not observed at significant frequency in large population cohorts (gnomAD); Has not been previously published as pathogenic or benign to our knowledge

Revvity Omics, Revvity
Classification: Uncertain significance. Last evaluated: 2023-06-07. Review status: criteria provided, single submitter. Criteria: ACMG Guidelines, 2015. Collection method: clinical testing. Allele origin: germline.

Ambry Genetics
Classification: Uncertain significance for Cardiovascular phenotype. Last evaluated: 2019-03-07. Review status: criteria provided, single submitter. Criteria: Ambry Variant Classification Scheme 2023. Collection method: clinical testing. Allele origin: germline.
Comment: The p.T635I variant (also known as c.1904C>T), located in coding exon 11 of the TTN gene, results from a C to T substitution at nucleotide position 1904. The threonine at codon 635 is replaced by isoleucine, an amino acid with similar properties. This amino acid position is not well conserved in available vertebrate species, and isoleucine is the reference amino acid in other vertebrate species. In addition, this alteration is predicted to be tolerated by in silico analysis. Since supporting evidence is limited at this time, the clinical significance of this alteration remains unclear.

NM_001267550.2(TTN):c.2042C>T (p.Thr681Ile)

Gene: TTN (titin; minus strand). Cytogenetic location: 2q31.2.
Variant type: single nucleotide variant.
Coding change: c.2042C>T on transcript NM_001267550.2 (MANE Select); coding-DNA position 2042, C replaced by T.
Protein change: p.Thr681Ile; replaces threonine 681 with isoleucine.
Molecular consequence: missense variant.
Genome position (GRCh38, 1-based): chr2:178,789,394, G>A on the plus strand (C>T on the coding strand, the complement: TTN is on the minus strand). VCF-style: chr2-178789394-G-A. GRCh37 (hg19) VCF-style: chr2-179654121-G-A.
Other names: c.2042C>T, p.Thr681Ile (NM_001256850.1, NM_133378.4, NM_133379.5); c.1904C>T, p.Thr635Ile (NM_003319.4, NM_133432.3, NM_133437.4); short protein forms T681I, T635I.
Identifiers: ClinVar variation 1782358 (VCV001782358.6), dbSNP rs551313395, ClinGen allele CA2005919.
Genomic context (GRCh38, chr2:178,789,394, plus strand): 5'-TTCACACTTGGAACAACAATAGTCACCTTTCCATGGGTAACTTGGATTTGTTCTTGTCTA[G>A]TAGCCATAGTTTCTCTAGTTCTCAGTATTGTTTCTTGTTCTTTGGCTTTAGCAGTAGCAA-3'
Protein context (NP_001254479.2, residues 671-691): TILRTRETMA[Thr681Ile]RQEQIQVTHG